The following is an entry in ClinVar:

ClinVar aggregate classification (germline): Uncertain significance (1 of 4 stars; one submission).

Conditions:
Combined immunodeficiency with skin granulomas. Identifiers: Orphanet 157949, MedGen C2673536, MONDO:0009306, OMIM 233650.
Severe combined immunodeficiency, autosomal recessive, T cell-negative, B cell-negative, NK cell-positive. Also called: SCID, T CELL-NEGATIVE, B CELL-NEGATIVE, NK CELL-POSITIVE; SCID, AR, T-cell negative, B-cell negative, NK cell-positive; Severe combined immunodeficiency due to complete RAG1/2 deficiency. Identifiers: Orphanet 331206, MedGen C1832322, MONDO:0011086, OMIM 601457.

Submission:

Labcorp Genetics (formerly Invitae), Labcorp
Classification: Uncertain significance for Combined immunodeficiency with skin granulomas; Severe combined immunodeficiency, autosomal recessive, T cell-negative, B cell-negative, NK cell-positive. Last evaluated: 2022-03-19. Review status: criteria provided, single submitter. Criteria: Invitae Variant Classification Sherloc (09022015). Collection method: clinical testing. Allele origin: germline.
Comment: This sequence change replaces cysteine, which is neutral and slightly polar, with serine, which is neutral and polar, at codon 316 of the RAG1 protein (p.Cys316Ser). This variant is not present in population databases (gnomAD no frequency). This missense change has been observed in individual(s) with severe combined immunodeficiency (Invitae). Advanced modeling of protein sequence and biophysical properties (such as structural, functional, and spatial information, amino acid conservation, physicochemical variation, residue mobility, and thermodynamic stability) performed at Invitae indicates that this missense variant is expected to disrupt RAG1 protein function. In summary, the available evidence is currently insufficient to determine the role of this variant in disease. Therefore, it has been classified as a Variant of Uncertain Significance.

NM_000448.3(RAG1):c.946T>A (p.Cys316Ser)

Gene: RAG1 (recombination activating 1; plus strand). Cytogenetic location: 11p12.
Variant type: single nucleotide variant.
Coding change: c.946T>A on transcript NM_000448.3 (MANE Select); coding-DNA position 946, T replaced by A.
Protein change: p.Cys316Ser; replaces cysteine 316 with serine.
Molecular consequence: missense variant.
Genome position (GRCh38, 1-based): chr11:36,574,250, T>A. VCF-style: chr11-36574250-T-A. GRCh37 (hg19) VCF-style: chr11-36595800-T-A.
Other names: c.946T>A, p.Cys316Ser (NM_001377277.1, NM_001377278.1, NM_001377279.1 and 1 more transcripts); short protein forms C316S.
Identifiers: ClinVar variation 2107157 (VCV002107157.4), dbSNP rs2494753944, ClinGen allele CA380150764.